The following is an entry in ClinVar:

NM_178857.6(RP1L1):c.4978G>A (p.Glu1660Lys)

Gene: RP1L1 (RP1 like 1). Cytogenetic location: 8p23.1.
Variant type: single nucleotide variant.
Coding change: c.4978G>A on transcript NM_178857.6 (MANE Select); coding-DNA position 4978, G replaced by A.
Protein change: p.Glu1660Lys; replaces glutamic acid 1660 with lysine.
Molecular consequence: missense variant.
Genome position (GRCh38, 1-based): chr8:10,609,120, C>T on the plus strand (G>A on the coding strand, the complement: RP1L1 is on the minus strand). VCF-style: chr8-10609120-C-T. GRCh37 (hg19) VCF-style: chr8-10466630-C-T.
Other names: short protein forms E1660K.
Identifiers: ClinVar variation 4156230 (VCV004156230.2).

ClinVar aggregate classification (germline): Uncertain significance. Review status: criteria provided, multiple submitters, no conflicts (2 of 4 stars). 2 submissions from 2 submitters: Uncertain significance (2). Last evaluated 2026-05-15.

Conditions:
RP1L1-related disorder. Also called: RP1L1-related condition.
Inborn genetic diseases. Identifiers: MedGen C0950123, MeSH D030342.

gnomAD v4.1: 50 of 1,613,590 alleles (0.0031%); highest among the groups gnomAD compares: Middle Eastern, 0.016%; 1 homozygote.

Submissions (2):

PreventionGenetics, part of Exact Sciences
Classification: Uncertain significance for RP1L1-related condition. Last evaluated: 2026-05-15. Review status: criteria provided, single submitter. Criteria: ACMG Guidelines, 2015. Collection method: clinical testing. Allele origin: germline.
Comment: The RP1L1 c.4978G>A variant is predicted to result in the amino acid substitution p.Glu1660Lys. To our knowledge, this variant has not been reported in the literature. This variant is present in 0.012% of alleles in individuals of African descent in gnomAD. At this time, the clinical significance of this variant is uncertain due to the absence of conclusive functional and genetic evidence.

Ambry Genetics
Classification: Uncertain significance for Inborn genetic diseases. Last evaluated: 2025-08-11. Review status: criteria provided, single submitter. Criteria: Ambry Variant Classification Scheme 2023. Collection method: clinical testing. Allele origin: germline.